The following is an entry in ClinVar:

ClinVar aggregate classification (germline): Pathogenic (1 of 4 stars; one submission).

Conditions:
Immunodeficiency 23 (IMD23). Also called: IMMUNODEFICIENCY WITH HYPER IgE AND COGNITIVE IMPAIRMENT; IMMUNODEFICIENCY-VASCULITIS-MYOCLONUS SYNDROME. Identifiers: Orphanet 443811, MedGen C4014371, MONDO:0014353, OMIM 615816.

Submission:

Labcorp Genetics (formerly Invitae), Labcorp
Classification: Pathogenic for Immunodeficiency 23. Last evaluated: 2023-07-22. Review status: criteria provided, single submitter. Criteria: Invitae Variant Classification Sherloc (09022015). Collection method: clinical testing. Allele origin: germline.
Comment: This variant has not been reported in the literature in individuals affected with PGM3-related conditions. For these reasons, this variant has been classified as Pathogenic. This variant is not present in population databases (gnomAD no frequency). This sequence change creates a premature translational stop signal (p.Lys79Thrfs*17) in the PGM3 gene. It is expected to result in an absent or disrupted protein product. Loss-of-function variants in PGM3 are known to be pathogenic (PMID: 17548465, 24589341, 24931394).

Literature cited by the submitters: PubMed 17548465; PubMed 24589341; PubMed 24931394.

NM_015599.3(PGM3):c.152_153del (p.Lys51fs)

Gene: PGM3 (phosphoglucomutase 3; minus strand). Cytogenetic location: 6q14.1.
Variant type: Deletion.
Coding change: c.152_153del on transcript NM_015599.3 (MANE Select); coding-DNA positions 152 to 153, 2 bases deleted (AA; older notation c.152_153delAA).
Protein change: p.Lys51fs; shifts the reading frame from lysine 51.
Molecular consequence: frameshift variant. On other transcripts: non-coding transcript variant (1), intron variant (1).
Genome position (GRCh38, 1-based): chr6:83,190,860-83,190,861, TT deleted on the plus strand (AA on the coding strand, the reverse complement: PGM3 is on the minus strand); deleting any 2 consecutive bases within chr6:83,190,860-83,190,863 gives the same sequence; the c. name uses the placement nearest the transcript's 3' end. VCF-style (leftmost placement, unchanged base first): chr6-83190859-GTT-G. GRCh37 (hg19) VCF-style: chr6-83900578-GTT-G.
Other names: c.236_237del, p.Lys79fs (NM_001199917.2, NM_001367287.1); c.152_153del, p.Lys51fs (NM_001199919.2, NM_001367286.1); c.-39-2063_-39-2062del (NM_001199918.2); short protein forms K51fs, K79fs.
Identifiers: ClinVar variation 2745927 (VCV002745927.3), dbSNP rs2538233913, ClinGen allele CA2697553575.
Genomic context (GRCh38, chr6:83,190,859, plus strand): 5'-AACCCATTACCTCAGGATTGTGGGACGCTGTTACCATGACTCCTATAGTGGATTTTGTCT[GTT>G]TTGACCTCAGGACAGCTAATAATCCCATGCGAAACATGACATGATCAAGATGTTCTGCCT-3'